The following is an entry in ClinVar:

ClinVar aggregate classification (germline): Uncertain significance (1 of 4 stars; one submission).

Submission:

Ambry Genetics
Classification: Uncertain significance. Last evaluated: 2024-09-24. Review status: criteria provided, single submitter. Criteria: Ambry Variant Classification Scheme 2023. Collection method: clinical testing. Allele origin: germline.
Comment: The p.C465W variant (also known as c.1395C>G), located in coding exon 1 of the MLH3 gene, results from a C to G substitution at nucleotide position 1395. The cysteine at codon 465 is replaced by tryptophan, an amino acid with highly dissimilar properties. This amino acid position is conserved. In addition, this alteration is predicted to be tolerated by in silico analysis. Based on the available evidence, the clinical significance of this variant remains unclear.

NM_001040108.2(MLH3):c.1395C>G (p.Cys465Trp)

Gene: MLH3 (mutL homolog 3; minus strand). Cytogenetic location: 14q24.3.
Variant type: single nucleotide variant.
Coding change: c.1395C>G on transcript NM_001040108.2 (MANE Select); coding-DNA position 1395, C replaced by G.
Protein change: p.Cys465Trp; replaces cysteine 465 with tryptophan.
Molecular consequence: missense variant.
Genome position (GRCh38, 1-based): chr14:75,048,261, G>C on the plus strand (C>G on the coding strand, the complement: MLH3 is on the minus strand). VCF-style: chr14-75048261-G-C. GRCh37 (hg19) VCF-style: chr14-75514964-G-C.
Other names: c.1395C>G, p.Cys465Trp (NM_014381.3); short protein forms C465W.
Identifiers: ClinVar variation 3396730 (VCV003396730.1).
Genomic context (GRCh38, chr14:75,048,261, plus strand): 5'-CTCATTTTCTCCAGCTTCTGATGCTACAATTGTCTCTTGTTCTAACATCTTTGATTCTGA[G>C]CAAGAGCTGTCTTTGTTTTGTAAAGATGGCTCTGTCATTTTGCTATGGCCTGGACCACCT-3'
Protein context (NP_001035197.1, residues 455-475): EPSLQNKDSS[Cys465Trp]SESKMLEQET